The following is an entry in ClinVar:

NM_182914.3(SYNE2):c.17611A>G (p.Met5871Val)

Gene: SYNE2 (spectrin repeat containing nuclear envelope protein 2; plus strand). Cytogenetic location: 14q23.2.
Variant type: single nucleotide variant.
Coding change: c.17611A>G on transcript NM_182914.3 (MANE Select); coding-DNA position 17611, A replaced by G.
Protein change: p.Met5871Val; replaces methionine 5871 with valine.
Molecular consequence: missense variant.
Genome position (GRCh38, 1-based): chr14:64,186,478, A>G. VCF-style: chr14-64186478-A-G. GRCh37 (hg19) VCF-style: chr14-64653196-A-G.
Other names: c.17611A>G, p.Met5871Val (NM_015180.6); short protein forms M5871V.
Identifiers: ClinVar variation 3706422 (VCV003706422.2).
Genomic context (GRCh38, chr14:64,186,478, plus strand): 5'-ATGCAGGAACTAGAACAGTCTTTGGCTAGCTGGACTCAGAACTTGAAAGAACTTCAAACT[A>G]TGAAGGCGGACTTAACCCGGCACGTTCTCGTGGAAGATGTGATGGTTTTGAAGGAGCAAA-3'
Protein context (NP_878918.2, residues 5861-5881): WTQNLKELQT[Met5871Val]KADLTRHVLV

ClinVar aggregate classification (germline): Uncertain significance (1 of 4 stars; one submission).

Conditions:
Emery-Dreifuss muscular dystrophy 5, autosomal dominant (EDMD5). Also called: EMERY-DREIFUSS MUSCULAR DYSTROPHY 5. Identifiers: Orphanet 261, MedGen C2751805, MONDO:0013072, OMIM 612999.

gnomAD v4.1: 1 of 1,614,270 alleles (0.000062%); highest among the groups gnomAD compares: Non-Finnish European, 0.000085%; no homozygotes.

Submission:

Labcorp Genetics (formerly Invitae), Labcorp
Classification: Uncertain significance for Emery-Dreifuss muscular dystrophy 5, autosomal dominant. Last evaluated: 2025-02-03. Review status: criteria provided, single submitter. Criteria: Invitae Variant Classification Sherloc (09022015). Collection method: clinical testing. Allele origin: germline.
Comment: This sequence change replaces methionine, which is neutral and non-polar, with valine, which is neutral and non-polar, at codon 5871 of the SYNE2 protein (p.Met5871Val). This variant is present in population databases (no rsID available, gnomAD 0.004%). This variant has not been reported in the literature in individuals affected with SYNE2-related conditions. An algorithm developed to predict the effect of missense changes on protein structure and function outputs the following: PolyPhen-2: "Benign". The valine amino acid residue is found in multiple mammalian species, which suggests that this missense change does not adversely affect protein function. In summary, the available evidence is currently insufficient to determine the role of this variant in disease. Therefore, it has been classified as a Variant of Uncertain Significance.